The following is an entry in ClinVar:

ClinVar aggregate classification (germline): Uncertain significance (1 of 4 stars; one submission).

Submission:

Labcorp Genetics (formerly Invitae), Labcorp
Classification: Uncertain significance. Last evaluated: 2024-03-12. Review status: criteria provided, single submitter. Criteria: Invitae Variant Classification Sherloc (09022015). Collection method: clinical testing. Allele origin: germline.
Comment: This sequence change replaces asparagine, which is neutral and polar, with tyrosine, which is neutral and polar, at codon 1074 of the ANKRD26 protein (p.Asn1074Tyr). This variant is not present in population databases (gnomAD no frequency). This variant has not been reported in the literature in individuals affected with ANKRD26-related conditions. An algorithm developed to predict the effect of missense changes on protein structure and function (PolyPhen-2) suggests that this variant is likely to be disruptive. In summary, the available evidence is currently insufficient to determine the role of this variant in disease. Therefore, it has been classified as a Variant of Uncertain Significance.

NM_014915.3(ANKRD26):c.3220A>T (p.Asn1074Tyr)

Gene: ANKRD26 (ankyrin repeat domain 26; minus strand). Cytogenetic location: 10p12.1.
Variant type: single nucleotide variant.
Coding change: c.3220A>T on transcript NM_014915.3 (MANE Select); coding-DNA position 3220, A replaced by T.
Protein change: p.Asn1074Tyr; replaces asparagine 1074 with tyrosine.
Molecular consequence: missense variant.
Genome position (GRCh38, 1-based): chr10:27,035,230, T>A on the plus strand (A>T on the coding strand, the complement: ANKRD26 is on the minus strand). VCF-style: chr10-27035230-T-A. GRCh37 (hg19) VCF-style: chr10-27324159-T-A.
Other names: c.3217A>T, p.Asn1073Tyr (NM_001256053.2); short protein forms N1073Y, N1074Y.
Identifiers: ClinVar variation 3645522 (VCV003645522.2).